The following is an entry in ClinVar:

ClinVar aggregate classification (germline): Likely pathogenic (1 of 4 stars; one submission).

Conditions:
Bardet-Biedl syndrome 1 (BBS1). Identifiers: MedGen C2936862, MONDO:0008854, OMIM 209900. Disease mechanism: loss of function.

Submission:

Myriad Genetics, Inc.
Classification: Likely pathogenic for Bardet-Biedl syndrome 1. Last evaluated: 2022-02-17. Review status: criteria provided, single submitter. Criteria: Myriad Women's Health Autosomal Recessive and X-Linked Classification Criteria (2021). Collection method: clinical testing. Allele origin: unknown.
Comment: NM_024649.4(BBS1):c.1009delG(E337Sfs*37) is expected to be pathogenic in the context of Bardet-Biedl syndrome, BBS1-related. This variant is predicted to lead to an abnormal or absent protein product due to the creation of a premature termination codon in BBS1, a gene where loss-of-function variants are known to be pathogenic. Please note: this variant was assessed in the context of healthy population screening.

NM_024649.5(BBS1):c.1009del (p.Glu337fs)

Genes: BBS1 (Bardet-Biedl syndrome 1; plus strand), ZDHHC24 (zDHHC palmitoyltransferase 24; minus strand). Cytogenetic location: 11q13.2.
Variant type: Deletion.
Coding change: c.1009del on transcript NM_024649.5 (MANE Select); coding-DNA position 1009, one base deleted (G; older notation c.1009delG).
Protein change: p.Glu337fs; shifts the reading frame from glutamic acid 337.
Molecular consequence: frameshift variant. On other transcripts: intron variant (1).
Genome position (GRCh38, 1-based): chr11:66,523,781, G deleted; the last of 2 consecutive G bases (chr11:66,523,780-66,523,781); deleting either gives the same sequence. VCF-style (leftmost placement, unchanged base first): chr11-66523779-TG-T. GRCh37 (hg19) VCF-style: chr11-66291250-TG-T.
Other names: c.*22-2314del (NM_001348571.2); short protein forms E337fs.
Identifiers: ClinVar variation 1724447 (VCV001724447.2), dbSNP rs2495779544, ClinGen allele CA2580084543.